The following is an entry in ClinVar:

NM_000426.4(LAMA2):c.9161C>A (p.Ala3054Glu)

Gene: LAMA2 (laminin subunit alpha 2; plus strand). Cytogenetic location: 6q22.33.
Variant type: single nucleotide variant.
Coding change: c.9161C>A on transcript NM_000426.4 (MANE Select); coding-DNA position 9161, C replaced by A.
Protein change: p.Ala3054Glu; replaces alanine 3054 with glutamic acid.
Molecular consequence: missense variant.
Genome position (GRCh38, 1-based): chr6:129,514,545, C>A. VCF-style: chr6-129514545-C-A. GRCh37 (hg19) VCF-style: chr6-129835690-C-A.
Other names: c.9149C>A, p.Ala3050Glu (NM_001079823.2); short protein forms A3054E, A3050E.
Identifiers: ClinVar variation 579990 (VCV000579990.54), dbSNP rs151049890, ClinGen allele CA3995048.

ClinVar aggregate classification (germline): Conflicting classifications of pathogenicity. Review status: criteria provided, conflicting classifications (1 of 4 stars). 6 submissions from 6 submitters: Uncertain significance (2); Likely benign (3). 1 of the submissions does not count toward it. Last evaluated 2026-02-02.

Conditions:
Merosin deficient congenital muscular dystrophy (MDC1A). Also called: Congenital Muscular Dystrophy Type 1A (MDC1A); Congenital merosin-deficient muscular dystrophy 1A. Identifiers: Orphanet 258, MedGen C1263858, MONDO:0011925, OMIM 607855.
Muscular dystrophy, limb-girdle, autosomal recessive 23. Identifiers: Orphanet 565837, MedGen C4748327, MONDO:0029136, OMIM 618138.
LAMA2-related muscular dystrophy (LAMA2-RD). Also called: Laminin alpha 2-related dystrophy. Identifiers: MedGen C5679788, MONDO:0100228.
Intellectual disability. Also called: Intellectual functioning disability; intellectual disabilities; Intellectual developmental disorder. Identifiers: MedGen C3714756, MeSH D008607, MONDO:0001071, HP:0001249.

Allele frequency attached by ClinVar (database versions not stated): 1000 Genomes Project 30x 0.00016; 1000 Genomes Project 0.00020; ESP Exome Variant Server 0.00008; TOPMed 0.00009; gnomAD 0.00010; gnomAD exomes 0.00012; ExAC 0.00014.
gnomAD v4.1: 175 of 1,614,180 alleles (0.011%); highest among the groups gnomAD compares: Middle Eastern, 0.033%; no homozygotes.

Submissions (6):

Labcorp Genetics (formerly Invitae), Labcorp
Classification: Likely benign for LAMA2-related muscular dystrophy. Last evaluated: 2026-02-02. Review status: criteria provided, single submitter. Criteria: Invitae Variant Classification Sherloc (09022015). Collection method: clinical testing. Allele origin: germline.

CeGaT Center for Human Genetics Tuebingen
Classification: Likely benign. Last evaluated: 2025-10-01. Review status: criteria provided, single submitter. Criteria: CeGaT Center For Human Genetics Tuebingen Variant Classification Criteria Version 2. Collection method: clinical testing. Allele origin: germline. Affected: yes. Observed: 3 variant alleles.
Comment: LAMA2: BP4

Blueprint Genetics
Classification: Likely benign. Last evaluated: 2024-10-16. Review status: criteria provided, single submitter. Criteria: ACMG Guidelines, 2015. Collection method: clinical testing. Allele origin: germline.

Revvity Omics, Revvity
Classification: Uncertain significance. Last evaluated: 2022-03-25. Review status: criteria provided, single submitter. Criteria: ACMG Guidelines, 2015. Collection method: clinical testing. Allele origin: germline.

Fulgent Genetics
Classification: Uncertain significance for Merosin deficient congenital muscular dystrophy; Muscular dystrophy, limb-girdle, autosomal recessive 23. Last evaluated: 2018-10-31. Review status: criteria provided, single submitter. Criteria: ACMG Guidelines, 2015. Collection method: clinical testing. Allele origin: unknown.

Centre de Biologie Pathologie Génétique, Centre Hospitalier Universitaire de Lille
Classification: Likely benign for Intellectual disability. Last evaluated: 2019-01-01. Review status: no assertion criteria provided. Collection method: clinical testing. Allele origin: inherited. Affected: yes. Not counted in ClinVar's aggregate classification.